The following is an entry in ClinVar:

NM_000329.3(RPE65):c.455T>C (p.Ile152Thr)

Gene: RPE65 (retinoid isomerohydrolase RPE65; minus strand). Cytogenetic location: 1p31.3.
Variant type: single nucleotide variant.
Coding change: c.455T>C on transcript NM_000329.3 (MANE Select); coding-DNA position 455, T replaced by C.
Protein change: p.Ile152Thr; replaces isoleucine 152 with threonine.
Molecular consequence: missense variant.
Genome position (GRCh38, 1-based): chr1:68,444,571, A>G on the plus strand (T>C on the coding strand, the complement: RPE65 is on the minus strand). VCF-style: chr1-68444571-A-G. GRCh37 (hg19) VCF-style: chr1-68910254-A-G.
Other names: c.347T>C, p.Ile116Thr (NM_001406853.1); c.179T>C, p.Ile60Thr (NM_001406856.1, NM_001406857.1); c.455T>C, p.Ile152Thr (NM_001406859.1, NM_001406860.1); short protein forms I116T, I152T, I60T.
Identifiers: ClinVar variation 1972943 (VCV001972943.4), dbSNP rs2523444371, ClinGen allele CA340747609.
Genomic context (GRCh38, chr1:68,444,571, plus strand): 5'-CACCTAGCACTGTGTCCCACCTGCTTAATTGTCTCCAAGGTCTCTGGATTAATCTTTGTA[A>G]TAAAGTTGGTCTCTGTGCAAGCGTAGTAATCTTCCCCCACTGGGTAGACATTAACAAGGG-3'
Protein context (NP_000320.1, residues 142-162): DYYACTETNF[Ile152Thr]TKINPETLET

ClinVar aggregate classification (germline): Uncertain significance. Review status: criteria provided, multiple submitters, no conflicts (2 of 4 stars). 3 submissions from 3 submitters: Uncertain significance (3). Last evaluated 2026-07-01.

Conditions:
Retinitis pigmentosa 20 (RP20). Identifiers: Orphanet 791, MedGen C3151086, MONDO:0013425, OMIM 613794.
Leber congenital amaurosis 2 (LCA2). Also called: AMAUROSIS CONGENITA OF LEBER II; Autosomal Recessive RPE65-Related Retinal Degeneration. Identifiers: Orphanet 65, MedGen C1859844, MONDO:0008765, OMIM 204100. Disease mechanism: loss of function.

Submissions (3):

CeGaT Center for Human Genetics Tuebingen
Classification: Uncertain significance. Last evaluated: 2026-07-01. Review status: criteria provided, single submitter. Criteria: CeGaT Center For Human Genetics Tuebingen Variant Classification Criteria Version 2. Collection method: clinical testing. Allele origin: germline. Affected: yes. Observed: 1 variant allele.
Comment: RPE65: PM2, PP3

Labcorp Genetics (formerly Invitae), Labcorp
Classification: Uncertain significance for Leber congenital amaurosis 2; Retinitis pigmentosa 20. Last evaluated: 2021-08-28. Review status: criteria provided, single submitter. Criteria: Invitae Variant Classification Sherloc (09022015). Collection method: clinical testing. Allele origin: germline.
Comment: This sequence change replaces isoleucine with threonine at codon 152 of the RPE65 protein (p.Ile152Thr). The isoleucine residue is moderately conserved and there is a moderate physicochemical difference between isoleucine and threonine. This variant is not present in population databases (ExAC no frequency). This variant has not been reported in the literature in individuals affected with RPE65-related conditions. Algorithms developed to predict the effect of missense changes on protein structure and function (SIFT, PolyPhen-2, Align-GVGD) all suggest that this variant is likely to be disruptive. In summary, the available evidence is currently insufficient to determine the role of this variant in disease. Therefore, it has been classified as a Variant of Uncertain Significance.

Blueprint Genetics
Classification: Uncertain significance. Last evaluated: 2019-07-26. Review status: criteria provided, single submitter. Criteria: ACMG Guidelines, 2015. Collection method: clinical testing. Allele origin: germline.